The following is an entry in ClinVar:

NM_001458.5(FLNC):c.5449A>C (p.Asn1817His)

Genes: FLNC (filamin C; plus strand), FLNC-AS1 (FLNC antisense RNA 1; minus strand). Cytogenetic location: 7q32.1.
Variant type: single nucleotide variant.
Coding change: c.5449A>C on transcript NM_001458.5 (MANE Select); coding-DNA position 5449, A replaced by C.
Protein change: p.Asn1817His; replaces asparagine 1817 with histidine.
Molecular consequence: missense variant.
Genome position (GRCh38, 1-based): chr7:128,850,853, A>C. VCF-style: chr7-128850853-A-C. GRCh37 (hg19) VCF-style: chr7-128490907-A-C.
Other names: c.5350A>C, p.Asn1784His (NM_001127487.2); short protein forms N1784H, N1817H.
Identifiers: ClinVar variation 2565510 (VCV002565510.2), dbSNP rs373146637, ClinGen allele CA369206710.

ClinVar aggregate classification (germline): Uncertain significance (1 of 4 stars; one submission).

Conditions:
Cardiovascular phenotype. Identifiers: MedGen CN230736.

gnomAD v4.1: 4 of 1,613,594 alleles (0.00025%); highest among the groups gnomAD compares: Non-Finnish European, 0.00034%; no homozygotes.

Submission:

Ambry Genetics
Classification: Uncertain significance for Cardiovascular phenotype. Last evaluated: 2023-03-26. Review status: criteria provided, single submitter. Criteria: Ambry Variant Classification Scheme 2023. Collection method: clinical testing. Allele origin: germline.
Comment: The p.N1817H variant (also known as c.5449A>C), located in coding exon 33 of the FLNC gene, results from an A to C substitution at nucleotide position 5449. The asparagine at codon 1817 is replaced by histidine, an amino acid with similar properties. This amino acid position is conserved. In addition, the in silico prediction for this alteration is inconclusive. Since supporting evidence is limited at this time, the clinical significance of this alteration remains unclear.